The following is an entry in ClinVar:

NM_007294.4(BRCA1):c.5467+355A>C

Gene: BRCA1 (BRCA1 DNA repair associated; minus strand). Cytogenetic location: 17q21.31.
Variant type: single nucleotide variant.
Coding change: c.5467+355A>C on transcript NM_007294.4 (MANE Select); 355 bases into the intron after coding-DNA position 5467, A replaced by C.
Molecular consequence: intron variant.
Genome position (GRCh38, 1-based): chr17:43,047,288, T>G on the plus strand (A>C on the coding strand, the complement: BRCA1 is on the minus strand). VCF-style: chr17-43047288-T-G. GRCh37 (hg19) VCF-style: chr17-41199305-T-G.
Other names: c.2014+355A>C (NM_001408458.1, NM_001408461.1, NM_001408464.1 and 7 more transcripts); c.4576+355A>C (NM_001407967.1); c.5086+355A>C (NM_001407959.1); c.5200+355A>C (NM_001407931.1, NM_001407932.1, NM_001407928.1 and 4 more transcripts); c.5323+355A>C (NM_001407747.1, NM_001407745.1, NM_001407737.1 and 18 more transcripts); c.5083+355A>C (NM_001407962.1, NM_001407960.1); c.1654+355A>C (NM_001408512.1); c.1777+355A>C (NM_001408510.1); and 83 more.
Identifiers: ClinVar variation 4984641 (VCV004984641.1).

ClinVar aggregate classification (germline): Likely benign (1 of 4 stars; one submission).

Conditions:
BRCA1-related disorder. Also called: BRCA1-related condition.

gnomAD v4.1: 14 of 152,012 alleles (0.0092%); highest among the groups gnomAD compares: African/African-American, 0.014%; no homozygotes.

Submission:

PreventionGenetics, part of Exact Sciences
Classification: Likely benign for BRCA1-related condition. Last evaluated: 2025-02-13. Review status: criteria provided, single submitter. Criteria: ACMG Guidelines, 2015. Collection method: clinical testing. Allele origin: germline.
Comment: This variant is classified as likely benign based on ACMG/AMP sequence variant interpretation guidelines (Richards et al. 2015 PMID: 25741868, with internal and published modifications).